The following is an entry in ClinVar:

ClinVar aggregate classification (germline): Uncertain significance. Review status: criteria provided, multiple submitters, no conflicts (2 of 4 stars). 3 submissions from 3 submitters: Uncertain significance (3). Last evaluated 2025-01-14.

Conditions:
Epilepsy, familial focal, with variable foci 1 (FFEVF1). Also called: DEPDC5-Related Epilepsy. Identifiers: MedGen C4551983, MONDO:0024556, OMIM 604364.
Inborn genetic diseases. Identifiers: MedGen C0950123, MeSH D030342.
Familial focal epilepsy with variable foci (FPEVF). Identifiers: Orphanet 98820, MedGen C1858477, MONDO:0020310.

Allele frequency attached by ClinVar (database versions not stated): ExAC 0.00001; gnomAD exomes 0.00001; TOPMed 0.00001; gnomAD 0.00004; ESP Exome Variant Server 0.00008.

Submissions (3):

Labcorp Genetics (formerly Invitae), Labcorp
Classification: Uncertain significance for Familial focal epilepsy with variable foci. Last evaluated: 2025-01-14. Review status: criteria provided, single submitter. Criteria: Invitae Variant Classification Sherloc (09022015). Collection method: clinical testing. Allele origin: germline.
Comment: This sequence change replaces phenylalanine, which is neutral and non-polar, with tyrosine, which is neutral and polar, at codon 682 of the DEPDC5 protein (p.Phe682Tyr). This variant is present in population databases (rs373078069, gnomAD 0.02%). This variant has not been reported in the literature in individuals affected with DEPDC5-related conditions. ClinVar contains an entry for this variant (Variation ID: 649304). Experimental studies and prediction algorithms are not available or were not evaluated, and the functional significance of this variant is currently unknown. In summary, the available evidence is currently insufficient to determine the role of this variant in disease. Therefore, it has been classified as a Variant of Uncertain Significance.

Fulgent Genetics
Classification: Uncertain significance for Epilepsy, familial focal, with variable foci 1. Last evaluated: 2021-12-21. Review status: criteria provided, single submitter. Criteria: ACMG Guidelines, 2015. Collection method: clinical testing. Allele origin: unknown.

Ambry Genetics
Classification: Uncertain significance for Inborn genetic diseases. Last evaluated: 2021-08-09. Review status: criteria provided, single submitter. Criteria: Ambry Variant Classification Scheme 2023. Collection method: clinical testing. Allele origin: germline.

NM_001242896.3(DEPDC5):c.2045T>A (p.Phe682Tyr)

Gene: DEPDC5 (DEP domain containing 5, GATOR1 subcomplex subunit; plus strand). Cytogenetic location: 22q12.3.
Variant type: single nucleotide variant.
Coding change: c.2045T>A on transcript NM_001242896.3 (MANE Select); coding-DNA position 2045, T replaced by A.
Protein change: p.Phe682Tyr; replaces phenylalanine 682 with tyrosine.
Molecular consequence: missense variant. On other transcripts: non-coding transcript variant (4), intron variant (3).
Genome position (GRCh38, 1-based): chr22:31,822,731, T>A. VCF-style: chr22-31822731-T-A. GRCh37 (hg19) VCF-style: chr22-32218717-T-A.
Other names: c.2045T>A, p.Phe682Tyr (NM_001136029.4, NM_001363852.2, NM_001364318.2 and 3 more transcripts); c.1961T>A, p.Phe654Tyr (NM_001369901.1, NM_001369902.1); c.1870+3506T>A (NM_001363854.2, NM_001242897.2, NM_001364319.2); short protein forms F654Y, F682Y.
Identifiers: ClinVar variation 649304 (VCV000649304.12), dbSNP rs373078069, ClinGen allele CA10196551.